The following is an entry in ClinVar:

ClinVar aggregate classification (germline): Uncertain significance (1 of 4 stars; one submission).

Submission:

GeneDx
Classification: Uncertain significance. Last evaluated: 2025-01-13. Review status: criteria provided, single submitter. Criteria: GeneDx Variant Classification Process June 2021. Collection method: clinical testing. Allele origin: germline. Affected: yes.
Comment: Not observed at significant frequency in large population cohorts (gnomAD); In silico analysis supports that this missense variant has a deleterious effect on protein structure/function; Has not been previously published as pathogenic or benign to our knowledge

NM_000108.5(DLD):c.1193A>C (p.Glu398Ala)

Gene: DLD (dihydrolipoamide dehydrogenase; plus strand). Cytogenetic location: 7q31.1.
Variant type: single nucleotide variant.
Coding change: c.1193A>C on transcript NM_000108.5 (MANE Select); coding-DNA position 1193, A replaced by C.
Protein change: p.Glu398Ala; replaces glutamic acid 398 with alanine.
Molecular consequence: missense variant.
Genome position (GRCh38, 1-based): chr7:107,917,419, A>C. VCF-style: chr7-107917419-A-C. GRCh37 (hg19) VCF-style: chr7-107557864-A-C.
Other names: c.896A>C, p.Glu299Ala (NM_001289750.1); c.1124A>C, p.Glu375Ala (NM_001289751.1); c.1049A>C, p.Glu350Ala (NM_001289752.1); short protein forms E299A, E350A, E375A, E398A.
Identifiers: ClinVar variation 2504391 (VCV002504391.2), dbSNP rs2535602664, ClinGen allele CA368858506.